The following is an entry in ClinVar:

ClinVar aggregate classification (germline): Uncertain significance (1 of 4 stars; one submission).

Conditions:
Developmental and epileptic encephalopathy, 9 (DEE9). Also called: Early infantile epileptic encephalopathy 9; EPILEPSY, FEMALE-RESTRICTED, WITH MENTAL RETARDATION; PCDH19-Related X-Linked Female-Limited Epilepsy with Mental Retardation; JUBERG-HELLMAN SYNDROME. Identifiers: Orphanet 101039, Orphanet 2076, MedGen C1848137, MONDO:0010246, OMIM 300088. Disease mechanism: loss of function.

gnomAD v4.1: 1 of 1,212,125 alleles (0.000082%); highest among the groups gnomAD compares: Non-Finnish European, 0.00011%; no homozygotes.

Submission:

Labcorp Genetics (formerly Invitae), Labcorp
Classification: Uncertain significance for Developmental and epileptic encephalopathy, 9. Last evaluated: 2024-06-29. Review status: criteria provided, single submitter. Criteria: Invitae Variant Classification Sherloc (09022015). Collection method: clinical testing. Allele origin: germline.
Comment: This sequence change replaces arginine, which is basic and polar, with leucine, which is neutral and non-polar, at codon 284 of the PCDH19 protein (p.Arg284Leu). This variant is present in population databases (rs749526030, gnomAD 0.001%). This variant has not been reported in the literature in individuals affected with PCDH19-related conditions. Advanced modeling of protein sequence and biophysical properties (such as structural, functional, and spatial information, amino acid conservation, physicochemical variation, residue mobility, and thermodynamic stability) performed at Invitae indicates that this missense variant is not expected to disrupt PCDH19 protein function with a negative predictive value of 95%. In summary, the available evidence is currently insufficient to determine the role of this variant in disease. Therefore, it has been classified as a Variant of Uncertain Significance.

NM_001184880.2(PCDH19):c.851G>T (p.Arg284Leu)

Gene: PCDH19 (protocadherin 19; minus strand). Cytogenetic location: Xq22.1.
Variant type: single nucleotide variant.
Coding change: c.851G>T on transcript NM_001184880.2 (MANE Select); coding-DNA position 851, G replaced by T.
Protein change: p.Arg284Leu; replaces arginine 284 with leucine.
Molecular consequence: missense variant.
Genome position (GRCh38, 1-based): chrX:100,407,747, C>A on the plus strand (G>T on the coding strand, the complement: PCDH19 is on the minus strand). VCF-style: chrX-100407747-C-A. GRCh37 (hg19) VCF-style: chrX-99662745-C-A.
Other names: c.851G>T, p.Arg284Leu (NM_001105243.2, NM_020766.3); short protein forms R284L.
Identifiers: ClinVar variation 3636300 (VCV003636300.2).